The following is an entry in ClinVar:

NM_016341.4(PLCE1):c.1472C>A (p.Thr491Asn)

Gene: PLCE1 (phospholipase C epsilon 1; plus strand). Cytogenetic location: 10q23.33.
Variant type: single nucleotide variant.
Coding change: c.1472C>A on transcript NM_016341.4 (MANE Select); coding-DNA position 1472, C replaced by A.
Protein change: p.Thr491Asn; replaces threonine 491 with asparagine.
Molecular consequence: missense variant.
Genome position (GRCh38, 1-based): chr10:94,132,439, C>A. VCF-style: chr10-94132439-C-A. GRCh37 (hg19) VCF-style: chr10-95892196-C-A.
Other names: c.548C>A, p.Thr183Asn (NM_001165979.2); c.1472C>A, p.Thr491Asn (NM_001288989.2); c.1472C>A (NM_016341.3); short protein forms T491N, T183N.
Identifiers: ClinVar variation 1429678 (VCV001429678.39), dbSNP rs150173742, ClinGen allele CA5612378.

ClinVar aggregate classification (germline): Uncertain significance. Review status: criteria provided, multiple submitters, no conflicts (2 of 4 stars). 4 submissions from 4 submitters: Uncertain significance (4). Last evaluated 2025-09-11.

Conditions:
Nephrotic syndrome, type 3 (NPHS3). Also called: NEPHROTIC SYNDROME, EARLY-ONSET, TYPE 3. Identifiers: Orphanet 656, MedGen C1853124, MONDO:0012546, OMIM 610725.
Inborn genetic diseases. Identifiers: MedGen C0950123, MeSH D030342.

Allele frequency attached by ClinVar (database versions not stated): gnomAD 0.00004 and 0.00005; ESP Exome Variant Server 0.00008; TOPMed 0.00009; gnomAD exomes 0.00010 and 0.00021; ExAC 0.00012; 1000 Genomes Project 30x 0.00016; 1000 Genomes Project 0.00020.
gnomAD v4.1: 308 of 1,614,060 alleles (0.019%); highest among the groups gnomAD compares: South Asian, 0.024%; no homozygotes.

Submissions (4):

Ambry Genetics
Classification: Uncertain significance for Inborn genetic diseases. Last evaluated: 2025-09-11. Review status: criteria provided, single submitter. Criteria: Ambry Variant Classification Scheme 2023. Collection method: clinical testing. Allele origin: germline.

Fulgent Genetics
Classification: Uncertain significance for Nephrotic syndrome, type 3. Last evaluated: 2024-04-24. Review status: criteria provided, single submitter. Criteria: ACMG Guidelines, 2015. Collection method: clinical testing. Allele origin: germline.

Labcorp Genetics (formerly Invitae), Labcorp
Classification: Uncertain significance. Last evaluated: 2022-09-01. Review status: criteria provided, single submitter. Criteria: Invitae Variant Classification Sherloc (09022015). Collection method: clinical testing. Allele origin: germline.
Comment: Algorithms developed to predict the effect of missense changes on protein structure and function are either unavailable or do not agree on the potential impact of this missense change (SIFT: "Deleterious"; PolyPhen-2: "Benign"; Align-GVGD: "Class C0"). This sequence change replaces threonine, which is neutral and polar, with asparagine, which is neutral and polar, at codon 491 of the PLCE1 protein (p.Thr491Asn). This variant is present in population databases (rs150173742, gnomAD 0.03%). This variant has not been reported in the literature in individuals affected with PLCE1-related conditions. ClinVar contains an entry for this variant (Variation ID: 1429678). In summary, the available evidence is currently insufficient to determine the role of this variant in disease. Therefore, it has been classified as a Variant of Uncertain Significance.

CeGaT Center for Human Genetics Tuebingen
Classification: Uncertain significance. Last evaluated: 2022-04-01. Review status: criteria provided, single submitter. Criteria: CeGaT Center For Human Genetics Tuebingen Variant Classification Criteria Version 2. Collection method: clinical testing. Allele origin: germline. Affected: yes. Observed: 1 variant allele.
Comment: PLCE1: PM2